The following is an entry in ClinVar:

ClinVar aggregate classification (germline): Uncertain significance (1 of 4 stars; one submission).

Conditions:
Cholestanol storage disease (CTX). Also called: CTX: Cerebrotendinous xanthomatosis; CEREBRAL CHOLESTERINOSIS; Cerebrotendinous Xanthomatosis. Identifiers: Orphanet 909, MedGen C0238052, MONDO:0008948, OMIM 213700.

Submission:

Labcorp Genetics (formerly Invitae), Labcorp
Classification: Uncertain significance for Cholestanol storage disease. Last evaluated: 2024-05-07. Review status: criteria provided, single submitter. Criteria: Invitae Variant Classification Sherloc (09022015). Collection method: clinical testing. Allele origin: germline.
Comment: This sequence change replaces phenylalanine, which is neutral and non-polar, with leucine, which is neutral and non-polar, at codon 73 of the CYP27A1 protein (p.Phe73Leu). This variant is not present in population databases (gnomAD no frequency). This variant has not been reported in the literature in individuals affected with CYP27A1-related conditions. ClinVar contains an entry for this variant (Variation ID: 2071592). Advanced modeling of protein sequence and biophysical properties (such as structural, functional, and spatial information, amino acid conservation, physicochemical variation, residue mobility, and thermodynamic stability) performed at Invitae indicates that this missense variant is not expected to disrupt CYP27A1 protein function with a negative predictive value of 95%. In summary, the available evidence is currently insufficient to determine the role of this variant in disease. Therefore, it has been classified as a Variant of Uncertain Significance.

NM_000784.4(CYP27A1):c.219C>A (p.Phe73Leu)

Gene: CYP27A1 (cytochrome P450 family 27 subfamily A member 1; plus strand). Cytogenetic location: 2q35.
Variant type: single nucleotide variant.
Coding change: c.219C>A on transcript NM_000784.4 (MANE Select); coding-DNA position 219, C replaced by A.
Protein change: p.Phe73Leu; replaces phenylalanine 73 with leucine.
Molecular consequence: missense variant.
Genome position (GRCh38, 1-based): chr2:218,782,401, C>A. VCF-style: chr2-218782401-C-A. GRCh37 (hg19) VCF-style: chr2-219647124-C-A.
Other names: short protein forms F73L.
Identifiers: ClinVar variation 2071592 (VCV002071592.3), dbSNP rs1401090157, ClinGen allele CA350576824.
Genomic context (GRCh38, chr2:218,782,401, plus strand): 5'-GCAACGGAGCTTAGAGGAGATTCCACGTCTAGGACAGCTGCGCTTCTTCTTTCAGCTGTT[C>A]GTTCAAGGCTATGCCCTGCAACTGCACCAGTTACAGGTAACCCGCGGGGGCATCGCGTCC-3'
Protein context (NP_000775.1, residues 63-83): LGQLRFFFQL[Phe73Leu]VQGYALQLHQ